The following is an entry in ClinVar:

NM_005419.4(STAT2):c.1726C>T (p.Arg576Cys)

Gene: STAT2 (signal transducer and activator of transcription 2; minus strand). Cytogenetic location: 12q13.3.
Variant type: single nucleotide variant.
Coding change: c.1726C>T on transcript NM_005419.4 (MANE Select); coding-DNA position 1726, C replaced by T.
Protein change: p.Arg576Cys; replaces arginine 576 with cysteine.
Molecular consequence: missense variant.
Genome position (GRCh38, 1-based): chr12:56,346,954, G>A on the plus strand (C>T on the coding strand, the complement: STAT2 is on the minus strand). VCF-style: chr12-56346954-G-A. GRCh37 (hg19) VCF-style: chr12-56740738-G-A.
Other names: c.1693C>T, p.Arg565Cys (NM_001385110.1); c.1627C>T, p.Arg543Cys (NM_001385111.1); c.1726C>T, p.Arg576Cys (NM_001385113.1); c.1705C>T, p.Arg569Cys (NM_001385114.1); c.1684C>T, p.Arg562Cys (NM_001385115.1); c.1714C>T, p.Arg572Cys (NM_198332.2); c.1726C>T (NM_005419.3); short protein forms R562C, R569C, R572C, R576C, R543C, R565C.
Identifiers: ClinVar variation 1391031 (VCV001391031.6), dbSNP rs780130229, ClinGen allele CA6630411.
Genomic context (GRCh38, chr12:56,346,954, plus strand): 5'-CAGACATGGTCTTCTTCAGCAGCCGGCGCTCCTGGCTCCGACTCACAAAGCCCATGATGC[G>A]TCTGGAGCACAGAGAGCAGCTGTGAGACACCGCCCAACACCCTGCCCCACCAGGCCCCTG-3'
Protein context (NP_005410.1, residues 566-586): DHLKDLWNDG[Arg576Cys]IMGFVSRSQE

ClinVar aggregate classification (germline): Uncertain significance. Review status: criteria provided, multiple submitters, no conflicts (2 of 4 stars). 2 submissions from 2 submitters: Uncertain significance (2). Last evaluated 2024-03-15.

Conditions:
Inborn genetic diseases. Identifiers: MedGen C0950123, MeSH D030342.
Primary immunodeficiency with post-measles-mumps-rubella vaccine viral infection. Also called: Immunodeficiency 44. Identifiers: Orphanet 431166, MedGen C4225260, MONDO:0014715, OMIM 616636.

Allele frequency attached by ClinVar (database versions not stated): gnomAD exomes below 0.00001; ExAC 0.00001; gnomAD 0.00003.
gnomAD v4.1: 11 of 1,613,964 alleles (0.00068%); highest among the groups gnomAD compares: African/African-American, 0.0013%; no homozygotes.

Submissions (2):

Ambry Genetics
Classification: Uncertain significance for Inborn genetic diseases. Last evaluated: 2024-03-15. Review status: criteria provided, single submitter. Criteria: Ambry Variant Classification Scheme 2023. Collection method: clinical testing. Allele origin: germline.

Labcorp Genetics (formerly Invitae), Labcorp
Classification: Uncertain significance for Primary immunodeficiency with post-measles-mumps-rubella vaccine viral infection. Last evaluated: 2022-02-03. Review status: criteria provided, single submitter. Criteria: Invitae Variant Classification Sherloc (09022015). Collection method: clinical testing. Allele origin: germline.
Comment: This sequence change replaces arginine, which is basic and polar, with cysteine, which is neutral and slightly polar, at codon 576 of the STAT2 protein (p.Arg576Cys). The frequency data for this variant in the population databases is considered unreliable, as metrics indicate poor data quality at this position in the gnomAD database. This variant has not been reported in the literature in individuals affected with STAT2-related conditions. Algorithms developed to predict the effect of missense changes on protein structure and function output the following: SIFT: "Tolerated"; PolyPhen-2: "Benign"; Align-GVGD: "Class C0". The cysteine amino acid residue is found in multiple mammalian species, which suggests that this missense change does not adversely affect protein function. In summary, the available evidence is currently insufficient to determine the role of this variant in disease. Therefore, it has been classified as a Variant of Uncertain Significance.